The following is an entry in ClinVar:

NM_001003699.4(RREB1):c.5161A>G (p.Ser1721Gly)

Gene: RREB1 (ras responsive element binding protein 1; plus strand). Cytogenetic location: 6p24.3.
Variant type: single nucleotide variant.
Coding change: c.5161A>G on transcript NM_001003699.4 (MANE Select); coding-DNA position 5161, A replaced by G.
Protein change: p.Ser1721Gly; replaces serine 1721 with glycine.
Molecular consequence: missense variant.
Genome position (GRCh38, 1-based): chr6:7,248,900, A>G. VCF-style: chr6-7248900-A-G. GRCh37 (hg19) VCF-style: chr6-7249133-A-G.
Other names: c.5161A>G (NM_001003699.3); c.4996A>G, p.Ser1666Gly (NM_001003698.4, NM_001168344.2); c.4363A>G, p.Ser1455Gly (NM_001003700.2); short protein forms S1455G, S1666G, S1721G.
Identifiers: ClinVar variation 2656205 (VCV002656205.25), dbSNP rs753285993, ClinGen allele CA3626653.

ClinVar aggregate classification (germline): Likely benign. Review status: criteria provided, multiple submitters, no conflicts (2 of 4 stars). 2 submissions from 2 submitters: Likely benign (2). Last evaluated 2024-08-20.

Allele frequency attached by ClinVar (database versions not stated): gnomAD 0.00001; TOPMed 0.00001; gnomAD exomes 0.00003; ExAC 0.00005.
gnomAD v4.1: 37 of 1,562,808 alleles (0.0024%); highest among the groups gnomAD compares: Middle Eastern, 0.11%; no homozygotes.

Submissions (2):

Ambry Genetics
Classification: Likely benign. Last evaluated: 2024-08-20. Review status: criteria provided, single submitter. Criteria: Ambry Variant Classification Scheme 2023. Collection method: clinical testing. Allele origin: germline.

CeGaT Center for Human Genetics Tuebingen
Classification: Likely benign. Last evaluated: 2023-09-01. Review status: criteria provided, single submitter. Criteria: CeGaT Center For Human Genetics Tuebingen Variant Classification Criteria Version 2. Collection method: clinical testing. Allele origin: germline. Affected: yes. Observed: 1 variant allele.
Comment: RREB1: BP4